The following is an entry in ClinVar:

ClinVar aggregate classification (germline): Uncertain significance. Review status: criteria provided, multiple submitters, no conflicts (2 of 4 stars). 2 submissions from 2 submitters: Uncertain significance (2). Last evaluated 2024-12-04.

Conditions:
Inborn genetic diseases. Identifiers: MedGen C0950123, MeSH D030342.

Submissions (2):

Ambry Genetics
Classification: Uncertain significance for Inborn genetic diseases. Last evaluated: 2024-12-04. Review status: criteria provided, single submitter. Criteria: Ambry Variant Classification Scheme 2023. Collection method: clinical testing. Allele origin: germline.

GeneDx
Classification: Uncertain significance. Last evaluated: 2023-04-03. Review status: criteria provided, single submitter. Criteria: GeneDx Variant Classification Process June 2021. Collection method: clinical testing. Allele origin: germline. Affected: yes.
Comment: Not observed at significant frequency in large population cohorts (gnomAD); In silico analysis supports that this missense variant has a deleterious effect on protein structure/function; Has not been previously published as pathogenic or benign to our knowledge

NM_020338.4(ZMIZ1):c.1580C>G (p.Pro527Arg)

Gene: ZMIZ1 (zinc finger MIZ-type containing 1; plus strand). Cytogenetic location: 10q22.3.
Variant type: single nucleotide variant.
Coding change: c.1580C>G on transcript NM_020338.4 (MANE Select); coding-DNA position 1580, C replaced by G.
Protein change: p.Pro527Arg; replaces proline 527 with arginine.
Molecular consequence: missense variant.
Genome position (GRCh38, 1-based): chr10:79,298,494, C>G. VCF-style: chr10-79298494-C-G. GRCh37 (hg19) VCF-style: chr10-81058251-C-G.
Other names: short protein forms P527R.
Identifiers: ClinVar variation 2663462 (VCV002663462.2), dbSNP rs2492115759, ClinGen allele CA377337386.